The following is an entry in ClinVar:

NM_000020.3(ACVRL1):c.1052T>C (p.Leu351Pro)

Gene: ACVRL1 (activin A receptor like type 1; plus strand). Cytogenetic location: 12q13.13.
Variant type: single nucleotide variant.
Coding change: c.1052T>C on transcript NM_000020.3 (MANE Select); coding-DNA position 1052, T replaced by C.
Protein change: p.Leu351Pro; replaces leucine 351 with proline.
Molecular consequence: missense variant.
Genome position (GRCh38, 1-based): chr12:51,916,039, T>C. VCF-style: chr12-51916039-T-C. GRCh37 (hg19) VCF-style: chr12-52309823-T-C.
Other names: c.1052T>C, p.Leu351Pro (NM_001077401.2, NM_001406487.1, NM_001406488.1 and 1 more transcripts); c.740T>C, p.Leu247Pro (NM_001406490.1, NM_001406491.1, NM_001406492.1 and 1 more transcripts); c.488T>C, p.Leu163Pro (NM_001406495.1); short protein forms L163P, L247P, L351P.
Identifiers: ClinVar variation 1777652 (VCV001777652.3), dbSNP rs2540166225, ClinGen allele CA384901971.

ClinVar aggregate classification (germline): Uncertain significance. Review status: criteria provided, multiple submitters, no conflicts (2 of 4 stars). 2 submissions from 2 submitters: Uncertain significance (2). Last evaluated 2025-06-11.

Conditions:
Cardiovascular phenotype. Identifiers: MedGen CN230736.
Telangiectasia, hereditary hemorrhagic, type 2 (HHT2). Also called: ACVRL1-Related Hereditary Hemorrhagic Telangiectasia; Telangiectasia, hereditary hemorrhagic, type II. Identifiers: Orphanet 774, MedGen C1838163, MONDO:0010880, OMIM 600376. Disease mechanism: loss of function.

Submissions (2):

Labcorp Genetics (formerly Invitae), Labcorp
Classification: Uncertain significance for Telangiectasia, hereditary hemorrhagic, type 2. Last evaluated: 2025-06-11. Review status: criteria provided, single submitter. Criteria: Invitae Variant Classification Sherloc (09022015). Collection method: clinical testing. Allele origin: germline.
Comment: This sequence change replaces leucine, which is neutral and non-polar, with proline, which is neutral and non-polar, at codon 351 of the ACVRL1 protein (p.Leu351Pro). This variant is not present in population databases (gnomAD no frequency). This missense change has been observed in individual(s) with clinical features of hereditary hemorrhagic telangiectasia (internal data). ClinVar contains an entry for this variant (Variation ID: 1777652). Invitae Evidence Modeling of protein sequence and biophysical properties (such as structural, functional, and spatial information, amino acid conservation, physicochemical variation, residue mobility, and thermodynamic stability) indicates that this missense variant is expected to disrupt ACVRL1 protein function with a positive predictive value of 95%. In summary, the available evidence is currently insufficient to determine the role of this variant in disease. Therefore, it has been classified as a Variant of Uncertain Significance.

Ambry Genetics
Classification: Uncertain significance for Cardiovascular phenotype. Last evaluated: 2018-09-28. Review status: criteria provided, single submitter. Criteria: Ambry Variant Classification Scheme 2023. Collection method: clinical testing. Allele origin: germline.
Comment: The p.L351P variant (also known as c.1052T>C), located in coding exon 7 of the ACVRL1 gene, results from a T to C substitution at nucleotide position 1052. The leucine at codon 351 is replaced by proline, an amino acid with similar properties. This amino acid position is highly conserved in available vertebrate species. In addition, this alteration is predicted to be deleterious by in silico analysis. Since supporting evidence is limited at this time, the clinical significance of this alteration remains unclear.